The following is an entry in ClinVar:

NM_014915.3(ANKRD26):c.1340A>G (p.Asn447Ser)

Gene: ANKRD26 (ankyrin repeat domain 26; minus strand). Cytogenetic location: 10p12.1.
Variant type: single nucleotide variant.
Coding change: c.1340A>G on transcript NM_014915.3 (MANE Select); coding-DNA position 1340, A replaced by G.
Protein change: p.Asn447Ser; replaces asparagine 447 with serine.
Molecular consequence: missense variant.
Genome position (GRCh38, 1-based): chr10:27,064,011, T>C on the plus strand (A>G on the coding strand, the complement: ANKRD26 is on the minus strand). VCF-style: chr10-27064011-T-C. GRCh37 (hg19) VCF-style: chr10-27352940-T-C.
Other names: c.1340A>G, p.Asn447Ser (NM_001256053.2); short protein forms N447S.
Identifiers: ClinVar variation 2443165 (VCV002443165.6), dbSNP rs2055155141, ClinGen allele CA376358832.

ClinVar aggregate classification (germline): Uncertain significance. Review status: criteria provided, multiple submitters, no conflicts (2 of 4 stars). 3 submissions from 3 submitters: Uncertain significance (2). 1 of the submissions does not count toward it. Last evaluated 2024-11-28.

Conditions:
Inborn genetic diseases. Identifiers: MedGen C0950123, MeSH D030342.

Allele frequency attached by ClinVar (database versions not stated): TOPMed below 0.00001.

Submissions (3):

Ambry Genetics
Classification: Uncertain significance for Inborn genetic diseases. Last evaluated: 2024-11-28. Review status: criteria provided, single submitter. Criteria: Ambry Variant Classification Scheme 2023. Collection method: clinical testing. Allele origin: germline.
Comment: The p.N447S variant (also known as c.1340A>G), located in coding exon 12 of the ANKRD26 gene, results from an A to G substitution at nucleotide position 1340. The asparagine at codon 447 is replaced by serine, an amino acid with highly similar properties. This amino acid position is conserved. In addition, this alteration is predicted to be tolerated by in silico analysis. Based on the available evidence, the clinical significance of this variant remains unclear.

Labcorp Genetics (formerly Invitae), Labcorp
Classification: Uncertain significance. Last evaluated: 2023-07-21. Review status: criteria provided, single submitter. Criteria: Invitae Variant Classification Sherloc (09022015). Collection method: clinical testing. Allele origin: germline.
Comment: Algorithms developed to predict the effect of missense changes on protein structure and function output the following: SIFT: "Not Available"; PolyPhen-2: "Benign"; Align-GVGD: "Not Available". The serine amino acid residue is found in multiple mammalian species, which suggests that this missense change does not adversely affect protein function. In summary, the available evidence is currently insufficient to determine the role of this variant in disease. Therefore, it has been classified as a Variant of Uncertain Significance. This sequence change replaces asparagine, which is neutral and polar, with serine, which is neutral and polar, at codon 447 of the ANKRD26 protein (p.Asn447Ser). This variant is not present in population databases (gnomAD no frequency). This variant has not been reported in the literature in individuals affected with ANKRD26-related conditions. ClinVar contains an entry for this variant (Variation ID: 2443165).

Genetic Services Laboratory, University of Chicago
Classification: Uncertain significance. Last evaluated: 2022-09-01. Review status: no assertion criteria provided. Collection method: clinical testing. Allele origin: germline. Affected: no. Not counted in ClinVar's aggregate classification.
Comment: DNA sequence analysis of the ANKRD26 gene demonstrated a sequence change, c.1340A>G, in exon 12 that results in an amino acid change, p.Asn447Ser. This sequence change does not appear to have been previously described in individuals with ANKRD26-related disorders and has also not been described in population databases such as ExAC and gnomAD. The p.Asn447Ser change affects a poorly conserved amino acid residue located in a domain of the ANKRD26 protein that is known to be functional. The p.Asn447Ser substitution appears to be benign using several in-silico pathogenicity prediction tools (SIFT, PolyPhen2, Align GVGD, REVEL). Due to insufficient evidences and the lack of functional studies, the clinical significance of the p.Asn447Ser change remains unknown at this time.